The following is an entry in ClinVar:

NM_000061.3(BTK):c.1418T>A (p.Ile473Asn)

Gene: BTK (Bruton tyrosine kinase; minus strand). Cytogenetic location: Xq22.1.
Variant type: single nucleotide variant.
Coding change: c.1418T>A on transcript NM_000061.3 (MANE Select); coding-DNA position 1418, T replaced by A.
Protein change: p.Ile473Asn; replaces isoleucine 473 with asparagine.
Molecular consequence: missense variant. On other transcripts: intron variant (1).
Genome position (GRCh38, 1-based): chrX:101,356,200, A>T on the plus strand (T>A on the coding strand, the complement: BTK is on the minus strand). VCF-style: chrX-101356200-A-T. GRCh37 (hg19) VCF-style: chrX-100611188-A-T.
Other names: c.1520T>A, p.Ile507Asn (NM_001287344.2); c.1039-1506T>A (NM_001287345.2); short protein forms I507N, I473N.
Identifiers: ClinVar variation 835039 (VCV000835039.11), dbSNP rs1926475663, ClinGen allele CA413924252.

ClinVar aggregate classification (germline): Uncertain significance (1 of 4 stars; one submission).

Conditions:
X-linked agammaglobulinemia with growth hormone deficiency (IGHD3). Also called: FLEISHER SYNDROME; HYPOGAMMAGLOBULINEMIA AND ISOLATED GROWTH HORMONE DEFICIENCY, X-LINKED; IGHD III; Isolated growth hormone deficiency type 3; Growth hormone deficiency with hypogammaglobulinemia; AGAMMAGLOBULINEMIA AND ISOLATED GROWTH HORMONE DEFICIENCY, X-LINKED. Identifiers: Orphanet 231692, Orphanet 631, MedGen C0472813, MONDO:0010615, OMIM 307200.

Submission:

Labcorp Genetics (formerly Invitae), Labcorp
Classification: Uncertain significance for X-linked agammaglobulinemia with growth hormone deficiency. Last evaluated: 2019-12-22. Review status: criteria provided, single submitter. Criteria: Invitae Variant Classification Sherloc (09022015). Collection method: clinical testing. Allele origin: germline.
Comment: This sequence change replaces isoleucine with asparagine at codon 473 of the BTK protein (p.Ile473Asn). The isoleucine residue is moderately conserved and there is a large physicochemical difference between isoleucine and asparagine. This variant is not present in population databases (ExAC no frequency). In summary, the available evidence is currently insufficient to determine the role of this variant in disease. Therefore, it has been classified as a Variant of Uncertain Significance. Algorithms developed to predict the effect of missense changes on protein structure and function (SIFT, PolyPhen-2, Align-GVGD) all suggest that this variant is likely to be disruptive, but these predictions have not been confirmed by published functional studies and their clinical significance is uncertain. This variant has not been reported in the literature in individuals with BTK-related conditions.